The following is an entry in ClinVar:

NM_000277.3(PAH):c.260G>A (p.Ser87Asn)

Gene: PAH (phenylalanine hydroxylase; minus strand). Cytogenetic location: 12q23.2.
Variant type: single nucleotide variant.
Coding change: c.260G>A on transcript NM_000277.3 (MANE Select); coding-DNA position 260, G replaced by A.
Protein change: p.Ser87Asn; replaces serine 87 with asparagine.
Molecular consequence: missense variant.
Genome position (GRCh38, 1-based): chr12:102,894,827, C>T on the plus strand (G>A on the coding strand, the complement: PAH is on the minus strand). VCF-style: chr12-102894827-C-T. GRCh37 (hg19) VCF-style: chr12-103288605-C-T.
Other names: c.260G>A, p.Ser87Asn (NM_001354304.2); short protein forms S87N.
Identifiers: ClinVar variation 4918201 (VCV004918201.2).

ClinVar aggregate classification (germline): Uncertain significance. Review status: criteria provided, multiple submitters, no conflicts (2 of 4 stars). 2 submissions from 2 submitters: Uncertain significance (2). Last evaluated 2026-07-28.

Conditions:
Phenylketonuria (PKU). Also called: FOLLING DISEASE; OLIGOPHRENIA PHENYLPYRUVICA; Phenylketonurias; Phenylketonuria (PKU). Identifiers: Orphanet 716, MedGen C0031485, MONDO:0009861, OMIM 261600. Disease mechanism: loss of function.

gnomAD v4.1: 35 of 1,613,722 alleles (0.0022%); highest among the groups gnomAD compares: Non-Finnish European, 0.0028%; no homozygotes.

Submissions (2):

Myriad Genetics, Inc.
Classification: Uncertain significance for Phenylketonuria. Last evaluated: 2026-07-28. Review status: criteria provided, single submitter. Criteria: Myriad Autosomal Dominant, Autosomal Recessive and X-Linked Classification Criteria (2023). Collection method: clinical testing. Allele origin: unknown.
Comment: NM_000277.1(PAH):c.260G>A(S87N) is a missense variant classified as a variant of uncertain significance in the context of phenylalanine hydroxylase deficiency. S87N has not been observed in cases with relevant disease. Relevant functional assessments of this variant are not available in the literature. S87N has been observed in referenced population frequency databases. In summary, there is insufficient evidence to classify NM_000277.1(PAH):c.260G>A(S87N) as pathogenic or benign. Please note: this variant was assessed in the context of healthy population screening.

Blueprint Genetics
Classification: Uncertain significance. Last evaluated: 2024-08-05. Review status: criteria provided, single submitter. Criteria: ACMG Guidelines, 2015. Collection method: clinical testing. Allele origin: germline.